The following is an entry in ClinVar:

ClinVar aggregate classification (germline): Uncertain significance (1 of 4 stars; one submission).

Allele frequency attached by ClinVar (database versions not stated): ExAC 0.00003; gnomAD exomes 0.00004; 1000 Genomes Project 30x 0.00031; 1000 Genomes Project 0.00040.
gnomAD v4.1: 16 of 1,614,214 alleles (0.00099%); highest among the groups gnomAD compares: East Asian, 0.033%; no homozygotes.

Submission:

Labcorp Genetics (formerly Invitae), Labcorp
Classification: Uncertain significance. Last evaluated: 2025-08-15. Review status: criteria provided, single submitter. Criteria: Invitae Variant Classification Sherloc (09022015). Collection method: clinical testing. Allele origin: germline.
Comment: This sequence change replaces threonine, which is neutral and polar, with arginine, which is basic and polar, at codon 283 of the SYT2 protein (p.Thr283Arg). This variant is present in population databases (rs199542449, gnomAD 0.05%). This variant has not been reported in the literature in individuals affected with SYT2-related conditions. ClinVar contains an entry for this variant (Variation ID: 1461044). Invitae Evidence Modeling of protein sequence and biophysical properties (such as structural, functional, and spatial information, amino acid conservation, physicochemical variation, residue mobility, and thermodynamic stability) indicates that this missense variant is expected to disrupt SYT2 protein function with a positive predictive value of 80%. In summary, the available evidence is currently insufficient to determine the role of this variant in disease. Therefore, it has been classified as a Variant of Uncertain Significance.

NM_177402.5(SYT2):c.848C>G (p.Thr283Arg)

Gene: SYT2 (synaptotagmin 2; minus strand). Cytogenetic location: 1q32.1.
Variant type: single nucleotide variant.
Coding change: c.848C>G on transcript NM_177402.5 (MANE Select); coding-DNA position 848, C replaced by G.
Protein change: p.Thr283Arg; replaces threonine 283 with arginine.
Molecular consequence: missense variant.
Genome position (GRCh38, 1-based): chr1:202,600,428, G>C on the plus strand (C>G on the coding strand, the complement: SYT2 is on the minus strand). VCF-style: chr1-202600428-G-C. GRCh37 (hg19) VCF-style: chr1-202569556-G-C.
Other names: c.848C>G, p.Thr283Arg (NM_001136504.1); short protein forms T283R.
Identifiers: ClinVar variation 1461044 (VCV001461044.8), dbSNP rs199542449, ClinGen allele CA1333675.
Genomic context (GRCh38, chr1:202,600,428, plus strand): 5'-CCCACGTCCATCTTCTTGAGGTTCTTAGCCTCCAGGATGCAGACAGTGAGCTTCCCGGCC[G>C]TGGGCACATAGCGCAGGGAGGTGCAGATGTCGCCCAGCTTCTCCGGCTGTCCAGGGGAAG-3'
Protein context (NP_796376.2, residues 273-293): DICTSLRYVP[Thr283Arg]AGKLTVCILE